The following is an entry in ClinVar:

ClinVar aggregate classification (germline): Likely benign (1 of 4 stars; one submission).

Allele frequency attached by ClinVar (database versions not stated): gnomAD exomes 0.00002; ExAC 0.00004.
gnomAD v4.1: 24 of 1,610,508 alleles (0.0015%); highest among the groups gnomAD compares: South Asian, 0.026%; 1 homozygote.

Submission:

CeGaT Center for Human Genetics Tuebingen
Classification: Likely benign. Last evaluated: 2023-10-01. Review status: criteria provided, single submitter. Criteria: CeGaT Center For Human Genetics Tuebingen Variant Classification Criteria Version 2. Collection method: clinical testing. Allele origin: germline. Affected: yes. Observed: 1 variant allele.
Comment: NIPBL: PM2:Supporting, BP4, BP7

NM_133433.4(NIPBL):c.768T>C (p.Ser256=)

Gene: NIPBL (NIPBL cohesin loading factor; plus strand). Cytogenetic location: 5p13.2.
Variant type: single nucleotide variant.
Coding change: c.768T>C on transcript NM_133433.4 (MANE Select); coding-DNA position 768, T replaced by C.
Protein change: p.Ser256=; no amino-acid change (serine 256 retained).
Molecular consequence: synonymous variant.
Genome position (GRCh38, 1-based): chr5:36,971,033, T>C. VCF-style: chr5-36971033-T-C. GRCh37 (hg19) VCF-style: chr5-36971135-T-C.
Other names: c.768T>C, p.Ser256= (NM_015384.5).
Identifiers: ClinVar variation 2655417 (VCV002655417.24), dbSNP rs747703764, ClinGen allele CA3235908.